The following is an entry in ClinVar:

ClinVar aggregate classification (germline): Uncertain significance. Review status: criteria provided, multiple submitters, no conflicts (2 of 4 stars). 2 submissions from 2 submitters: Uncertain significance (2). Last evaluated 2024-03-18.

Conditions:
Inborn genetic diseases. Identifiers: MedGen C0950123, MeSH D030342.

Allele frequency attached by ClinVar (database versions not stated): ExAC 0.00001; gnomAD exomes 0.00002 and 0.00012; gnomAD 0.00008 and 0.00009; TOPMed 0.00010; ESP Exome Variant Server 0.00023.
gnomAD v4.1: 191 of 1,613,114 alleles (0.012%); highest among the groups gnomAD compares: Non-Finnish European, 0.015%; no homozygotes.

Submissions (2):

Ambry Genetics
Classification: Uncertain significance for Inborn genetic diseases. Last evaluated: 2024-03-18. Review status: criteria provided, single submitter. Criteria: Ambry Variant Classification Scheme 2023. Collection method: clinical testing. Allele origin: germline.

Labcorp Genetics (formerly Invitae), Labcorp
Classification: Uncertain significance. Last evaluated: 2023-07-08. Review status: criteria provided, single submitter. Criteria: Invitae Variant Classification Sherloc (09022015). Collection method: clinical testing. Allele origin: germline.
Comment: This sequence change replaces tryptophan, which is neutral and slightly polar, with leucine, which is neutral and non-polar, at codon 1047 of the LAMC3 protein (p.Trp1047Leu). This variant is present in population databases (rs142014404, gnomAD 0.006%). This variant has not been reported in the literature in individuals affected with LAMC3-related conditions. ClinVar contains an entry for this variant (Variation ID: 1446837). An algorithm developed to predict the effect of missense changes on protein structure and function (PolyPhen-2) suggests that this variant¬†is likely to be tolerated. In summary, the available evidence is currently insufficient to determine the role of this variant in disease. Therefore, it has been classified as a Variant of Uncertain Significance.

NM_006059.4(LAMC3):c.3140G>T (p.Trp1047Leu)

Gene: LAMC3 (laminin subunit gamma 3; plus strand). Cytogenetic location: 9q34.12.
Variant type: single nucleotide variant.
Coding change: c.3140G>T on transcript NM_006059.4 (MANE Select); coding-DNA position 3140, G replaced by T.
Protein change: p.Trp1047Leu; replaces tryptophan 1047 with leucine.
Molecular consequence: missense variant.
Genome position (GRCh38, 1-based): chr9:131,071,554, G>T. VCF-style: chr9-131071554-G-T. GRCh37 (hg19) VCF-style: chr9-133946941-G-T.
Other names: c.3140G>T (NM_006059.3); short protein forms W1047L.
Identifiers: ClinVar variation 1446837 (VCV001446837.5), dbSNP rs142014404, ClinGen allele CA5287690.